The following is an entry in ClinVar:

ClinVar aggregate classification (germline): Uncertain significance. Review status: criteria provided, multiple submitters, no conflicts (2 of 4 stars). 3 submissions from 3 submitters: Uncertain significance (2). 1 of the submissions does not count toward it. Last evaluated 2020-05-21.

Conditions:
MAGEL2-related disorder. Also called: MAGEL2-related condition.
Schaaf-Yang syndrome (SHFYNG). Also called: Arthrogryposis, distal, with hypopituitarism, intellectual disability, and facial anomalies; MAGEL2-related Prader-Willi-like syndrome. Identifiers: Orphanet 398069, MedGen C5575066, MONDO:0014243, OMIM 615547.

Allele frequency attached by ClinVar (database versions not stated): gnomAD 0.00001; TOPMed 0.00001; gnomAD exomes 0.00002.
gnomAD v4.1: 33 of 1,613,700 alleles (0.002%); highest among the groups gnomAD compares: Non-Finnish European, 0.0026%; no homozygotes.

Submissions (3):

Victorian Clinical Genetics Services, Murdoch Childrens Research Institute
Classification: Uncertain significance for Schaaf-Yang syndrome. Last evaluated: 2020-05-21. Review status: criteria provided, single submitter. Criteria: ACMG Guidelines, 2015. Collection method: clinical testing. Allele origin: germline.
Comment: A heterozygous missense variant was identified, NM_019066.4(MAGEL2):c.2568G>A in exon 1 of the MAGEL2 gene. This substitution is predicted to create a minor amino acid change from a methionine to an isoleucine at position 856 of the protein; NP_061939.3(MAGEL2):p.(Met856Ile). The methionine at this position has low conservation (100 vertebrates, UCSC), and is not situated in a known functional domain (NCBI, PDB). In silico software predicts this variant to be tolerated (PolyPhen2, SIFT, CADD, Mutation Taster). The variant is not present in the gnomAD population database, and has not previously been reported in clinical cases. Based on information available at the time of curation, this variant has been classified as a VUS with LOW CLINICAL RELEVANCE. Legend: (P) - Pathogenic, (N) - Neutral, (B) - Benign

GeneDx
Classification: Uncertain significance. Last evaluated: 2020-01-22. Review status: criteria provided, single submitter. Criteria: GeneDx Variant Classification Process June 2021. Collection method: clinical testing. Allele origin: germline. Affected: yes.
Comment: Not observed in large population cohorts (Lek et al., 2016); In silico analysis, which includes protein predictors and evolutionary conservation, supports that this variant does not alter protein structure/function; Has not been previously published as pathogenic or benign to our knowledge

PreventionGenetics, part of Exact Sciences
Classification: Uncertain significance for MAGEL2-related condition. Last evaluated: 2024-09-16. Review status: no assertion criteria provided. Collection method: clinical testing. Allele origin: germline. Not counted in ClinVar's aggregate classification.
Comment: The MAGEL2 c.2568G>A variant is predicted to result in the amino acid substitution p.Met856Ile. To our knowledge, this variant has not been reported in the literature or in a large population database, indicating this variant is rare. At this time, the clinical significance of this variant is uncertain due to the absence of conclusive functional and genetic evidence.

NM_019066.5(MAGEL2):c.2568G>A (p.Met856Ile)

Gene: MAGEL2 (MAGE family member L2; minus strand). Cytogenetic location: 15q11.2.
Variant type: single nucleotide variant.
Coding change: c.2568G>A on transcript NM_019066.5 (MANE Select); coding-DNA position 2568, G replaced by A.
Protein change: p.Met856Ile; replaces methionine 856 with isoleucine.
Molecular consequence: missense variant.
Genome position (GRCh38, 1-based): chr15:23,645,175, C>T on the plus strand (G>A on the coding strand, the complement: MAGEL2 is on the minus strand). VCF-style: chr15-23645175-C-T. GRCh37 (hg19) VCF-style: chr15-23890322-C-T.
Other names: short protein forms M856I.
Identifiers: ClinVar variation 1311284 (VCV001311284.4), dbSNP rs1454934495, ClinGen allele CA391330775.